The following is an entry in ClinVar:

NM_000432.4(MYL2):c.4-4C>T

Genes: MYL2 (myosin light chain 2; minus strand), LOC114827850 (VISTA enhancer hs2149; plus strand). Cytogenetic location: 12q24.11.
Variant type: single nucleotide variant.
Coding change: c.4-4C>T on transcript NM_000432.4 (MANE Select); 4 bases into the intron before coding-DNA position 4, C replaced by T.
Molecular consequence: intron variant.
Genome position (GRCh38, 1-based): chr12:110,919,197, G>A on the plus strand (C>T on the coding strand, the complement: MYL2 is on the minus strand). VCF-style: chr12-110919197-G-A. GRCh37 (hg19) VCF-style: chr12-111357001-G-A.
Other names: c.-54-4C>T (NM_001406916.1); c.4-4C>T (NM_001406745.1).
Identifiers: ClinVar variation 3074835 (VCV003074835.1), dbSNP rs2499815112, ClinGen allele CA2825002055.

ClinVar aggregate classification (germline): Likely benign (1 of 4 stars; one submission).

Conditions:
Hypertrophic cardiomyopathy. Also called: HYPERTROPHIC MYOCARDIOPATHY. Identifiers: Orphanet 217569, MedGen C0007194, MeSH D002312, MONDO:0005045, HP:0001639.

Submission:

All of Us Research Program, National Institutes of Health
Classification: Likely benign for Hypertrophic cardiomyopathy. Last evaluated: 2023-12-13. Review status: criteria provided, single submitter. Criteria: ACMG Guidelines, 2015. Collection method: clinical testing. Allele origin: germline. Inheritance: Autosomal dominant inheritance. Observed: 1 variant allele, 1 heterozygote.
Comment: This study involves interpretation of variants in research participants for the purpose of population health screening. Participant phenotype was not available at the time of variant classification. Additional details can be found in publication PMID: 35346344, PMCID: PMC8962531